The following is an entry in ClinVar:

ClinVar aggregate classification (germline): Uncertain significance (1 of 4 stars; one submission).

Allele frequency attached by ClinVar (database versions not stated): gnomAD exomes 0.00001.
gnomAD v4.1: 6 of 1,613,660 alleles (0.00037%); highest among the groups gnomAD compares: Non-Finnish European, 0.00051%; no homozygotes.

Submission:

Labcorp Genetics (formerly Invitae), Labcorp
Classification: Uncertain significance. Last evaluated: 2022-02-09. Review status: criteria provided, single submitter. Criteria: Invitae Variant Classification Sherloc (09022015). Collection method: clinical testing. Allele origin: germline.
Comment: This sequence change replaces alanine, which is neutral and non-polar, with serine, which is neutral and polar, at codon 522 of the DYM protein (p.Ala522Ser). This variant is not present in population databases (gnomAD no frequency). This variant has not been reported in the literature in individuals affected with DYM-related conditions. Algorithms developed to predict the effect of missense changes on protein structure and function are either unavailable or do not agree on the potential impact of this missense change (SIFT: "Tolerated"; PolyPhen-2: "Possibly Damaging"; Align-GVGD: "Class C0"). Algorithms developed to predict the effect of sequence changes on RNA splicing suggest that this variant may disrupt the consensus splice site. In summary, the available evidence is currently insufficient to determine the role of this variant in disease. Therefore, it has been classified as a Variant of Uncertain Significance.

NM_001353214.3(DYM):c.1729G>T (p.Ala577Ser)

Gene: DYM (dymeclin; minus strand). Cytogenetic location: 18q21.1.
Variant type: single nucleotide variant.
Coding change: c.1729G>T on transcript NM_001353214.3 (MANE Select); coding-DNA position 1729, G replaced by T.
Protein change: p.Ala577Ser; replaces alanine 577 with serine.
Molecular consequence: missense variant. On other transcripts: intron variant (5).
Genome position (GRCh38, 1-based): chr18:49,118,926, C>A on the plus strand (G>T on the coding strand, the complement: DYM is on the minus strand). VCF-style: chr18-49118926-C-A. GRCh37 (hg19) VCF-style: chr18-46645296-C-A.
Other names: c.1561G>T, p.Ala521Ser (NM_001353210.3, NM_001353211.3, NM_001374435.1); c.1726G>T, p.Ala576Ser (NM_001353212.3, NM_001353213.3); c.1729G>T, p.Ala577Ser (NM_001374428.1, NM_001374430.1, NM_001374431.1); c.1723G>T, p.Ala575Ser (NM_001374429.1); c.1603G>T, p.Ala535Ser (NM_001374432.1); c.1564G>T, p.Ala522Ser (NM_001374433.1, NM_001374434.1, NM_017653.6); c.1438G>T, p.Ala480Ser (NM_001374436.1); c.1381G>T, p.Ala461Ser (NM_001374437.1); and 9 more; short protein forms A521S, A535S, A577S, A576S, A332S, A387S, A461S, A331S.
Identifiers: ClinVar variation 1940690 (VCV001940690.5), dbSNP rs748033974, ClinGen allele CA300360643.